The following is an entry in ClinVar:

NM_004320.6(ATP2A1):c.550T>G (p.Ser184Ala)

Gene: ATP2A1 (ATPase sarcoplasmic/endoplasmic reticulum Ca2+ transporting 1; plus strand). Cytogenetic location: 16p11.2.
Variant type: single nucleotide variant.
Coding change: c.550T>G on transcript NM_004320.6 (MANE Select); coding-DNA position 550, T replaced by G.
Protein change: p.Ser184Ala; replaces serine 184 with alanine.
Molecular consequence: missense variant.
Genome position (GRCh38, 1-based): chr16:28,887,194, T>G. VCF-style: chr16-28887194-T-G. GRCh37 (hg19) VCF-style: chr16-28898515-T-G.
Other names: c.175T>G, p.Ser59Ala (NM_001286075.2); c.550T>G, p.Ser184Ala (NM_173201.5); short protein forms S184A, S59A.
Identifiers: ClinVar variation 571845 (VCV000571845.9), dbSNP rs1567482317, ClinGen allele CA395402335.

ClinVar aggregate classification (germline): Uncertain significance (1 of 4 stars; one submission).

Conditions:
Brody myopathy. Also called: BRODY DISEASE. Identifiers: Orphanet 53347, MedGen C1832918, MONDO:0010977, OMIM 601003.

Allele frequency attached by ClinVar (database versions not stated): gnomAD exomes below 0.00001.
gnomAD v4.1: 1 of 1,613,110 alleles (0.000062%); highest among the groups gnomAD compares: Non-Finnish European, 0.000085%; no homozygotes.

Submission:

Labcorp Genetics (formerly Invitae), Labcorp
Classification: Uncertain significance for Brody myopathy. Last evaluated: 2018-03-14. Review status: criteria provided, single submitter. Criteria: Invitae Variant Classification Sherloc (09022015). Collection method: clinical testing. Allele origin: germline.
Comment: In summary, the available evidence is currently insufficient to determine the role of this variant in disease. Therefore, it has been classified as a Variant of Uncertain Significance. Algorithms developed to predict the effect of missense changes on protein structure and function do not agree on the potential impact of this missense change (SIFT: "Deleterious"; PolyPhen-2: "Probably Damaging"; Align-GVGD: "Class C0"). This variant has not been reported in the literature in individuals with ATP2A1-related disease. This variant is not present in population databases (ExAC no frequency). This sequence change replaces serine with alanine at codon 184 of the ATP2A1 protein (p.Ser184Ala). The serine residue is moderately conserved and there is a moderate physicochemical difference between serine and alanine.